The following is an entry in ClinVar:

ClinVar aggregate classification (germline): Conflicting classifications of pathogenicity. Review status: criteria provided, conflicting classifications (1 of 4 stars). 4 submissions from 4 submitters: Uncertain significance (3); Likely benign (1). Last evaluated 2026-03-25.

Conditions:
Cardiovascular phenotype. Identifiers: MedGen CN230736.
Arrhythmogenic cardiomyopathy with wooly hair and keratoderma. Also called: PALMOPLANTAR KERATODERMA WITH LEFT VENTRICULAR CARDIOMYOPATHY AND WOOLLY HAIR; Dilated cardiomyopathy with woolly hair and keratoderma; Arrhythmogenic cardiomyopathy with woolly hair and keratoderma; Carvajal syndrome. Identifiers: Orphanet 65282, MedGen C1854063, MONDO:0011581, OMIM 605676.
Arrhythmogenic right ventricular dysplasia 8 (ARVD8). Also called: Arrhythmogenic Right Ventricular Dysplasia/Cardiomyopathy 8; ARRHYTHMOGENIC RIGHT VENTRICULAR DYSPLASIA, FAMILIAL, 8; ARRHYTHMOGENIC RIGHT VENTRICULAR CARDIOMYOPATHY 8. Identifiers: MedGen C1843896, MONDO:0011831, OMIM 607450.
Cardiomyopathy (CMYO). Also called: Cardiomyopathies. Identifiers: Orphanet 167848, MedGen C0878544, MONDO:0004994, HP:0001638. Inheritance: Various modes of inheritance.

Allele frequency attached by ClinVar (database versions not stated): gnomAD exomes 0.00001 and below 0.00001; TOPMed 0.00001.
gnomAD v4.1: 3 of 1,614,172 alleles (0.00019%); highest among the groups gnomAD compares: Admixed American, 0.0033%; no homozygotes.

Submissions (4):

Ambry Genetics
Classification: Uncertain significance for Cardiovascular phenotype. Last evaluated: 2026-03-25. Review status: criteria provided, single submitter. Criteria: Ambry Variant Classification Scheme 2023. Collection method: clinical testing. Allele origin: germline.
Comment: The p.L693V variant (also known as c.2077C>G), located in coding exon 15 of the DSP gene, results from a C to G substitution at nucleotide position 2077. The leucine at codon 693 is replaced by valine, an amino acid with highly similar properties. This amino acid position is not well conserved in available vertebrate species. In addition, this alteration is predicted to be tolerated by in silico analysis. Based on the available evidence, the clinical significance of this variant remains unclear.

Color Diagnostics, LLC DBA Color Health
Classification: Uncertain significance for Cardiomyopathy. Last evaluated: 2025-12-11. Review status: criteria provided, single submitter. Criteria: ACMG Guidelines, 2015. Collection method: clinical testing. Allele origin: germline.
Comment: This missense variant replaces leucine with valine at codon 693 of the DSP protein. Computational prediction suggests that this variant may not impact protein structure and function. To our knowledge, functional studies have not been reported for this variant. This variant has not been reported in individuals affected with DSP-related disorders in the literature. This variant has been identified in 3/1614172 chromosomes in the general population by the Genome Aggregation Database (gnomAD). The available evidence is insufficient to determine the role of this variant in disease conclusively. Therefore, this variant is classified as a Variant of Uncertain Significance.

All of Us Research Program, National Institutes of Health
Classification: Uncertain significance for Arrhythmogenic cardiomyopathy with wooly hair and keratoderma. Last evaluated: 2024-07-20. Review status: criteria provided, single submitter. Criteria: ACMG Guidelines, 2015. Collection method: clinical testing. Allele origin: germline. Inheritance: Autosomal dominant inheritance. Observed: 1 variant allele, 1 heterozygote.
Comment: This missense variant replaces leucine with valine at codon 693 of the DSP protein. Computational prediction suggests that this variant may not impact protein structure and function (internally defined REVEL score threshold <= 0.5, PMID: 27666373). To our knowledge, functional studies have not been reported for this variant. This variant has not been reported in individuals affected with cardiovascular disorders in the literature. This variant has been identified in 2/251132 chromosomes in the general population by the Genome Aggregation Database (gnomAD). The available evidence is insufficient to determine the role of this variant in disease conclusively. Therefore, this variant is classified as a Variant of Uncertain Significance.

This study involves interpretation of variants in research participants for the purpose of population health screening. Participant phenotype was not available at the time of variant classification. Additional details can be found in publication PMID: 35346344, PMCID: PMC8962531

Labcorp Genetics (formerly Invitae), Labcorp
Classification: Likely benign for Arrhythmogenic cardiomyopathy with wooly hair and keratoderma; Arrhythmogenic right ventricular dysplasia 8. Last evaluated: 2023-10-07. Review status: criteria provided, single submitter. Criteria: Invitae Variant Classification Sherloc (09022015). Collection method: clinical testing. Allele origin: germline.

NM_004415.4(DSP):c.2077C>G (p.Leu693Val)

Gene: DSP (desmoplakin; plus strand). Cytogenetic location: 6p24.3.
Variant type: single nucleotide variant.
Coding change: c.2077C>G on transcript NM_004415.4 (MANE Select); coding-DNA position 2077, C replaced by G.
Protein change: p.Leu693Val; replaces leucine 693 with valine.
Molecular consequence: missense variant.
Genome position (GRCh38, 1-based): chr6:7,572,015, C>G. VCF-style: chr6-7572015-C-G. GRCh37 (hg19) VCF-style: chr6-7572248-C-G.
Other names: c.2077C>G (LRG_423t1); c.2077C>G, p.Leu693Val (NM_001008844.3, NM_001319034.2); short protein forms L693V.
Identifiers: ClinVar variation 648891 (VCV000648891.16), dbSNP rs1339486272, ClinGen allele CA362680503.